The following is an entry in ClinVar:

ClinVar aggregate classification (germline): Conflicting classifications of pathogenicity. Review status: criteria provided, conflicting classifications (1 of 4 stars). 2 submissions from 2 submitters: Likely pathogenic (1); Uncertain significance (1). Last evaluated 2026-01-05.

Conditions:
Cardiovascular phenotype. Identifiers: MedGen CN230736.

Submissions (2):

Ambry Genetics
Classification: Uncertain significance for Cardiovascular phenotype. Last evaluated: 2026-01-05. Review status: criteria provided, single submitter. Criteria: Ambry Variant Classification Scheme 2023. Collection method: clinical testing. Allele origin: germline.

GeneDx
Classification: Likely pathogenic. Last evaluated: 2025-12-09. Review status: criteria provided, single submitter. Criteria: GeneDx Variant Classification Process June 2021. Collection method: clinical testing. Allele origin: germline.
Comment: Not observed at significant frequency in large population cohorts (gnomAD); In silico analysis supports that this missense variant has a deleterious effect on protein structure/function; Has not been previously published as pathogenic or benign to our knowledge

NM_006912.6(RIT1):c.91G>T (p.Gly31Cys)

Gene: RIT1 (Ras like without CAAX 1; minus strand). Cytogenetic location: 1q22.
Variant type: single nucleotide variant.
Coding change: c.91G>T on transcript NM_006912.6 (MANE Select); coding-DNA position 91, G replaced by T.
Protein change: p.Gly31Cys; replaces glycine 31 with cysteine.
Molecular consequence: missense variant. On other transcripts: intron variant (1).
Genome position (GRCh38, 1-based): chr1:155,910,671, C>A on the plus strand (G>T on the coding strand, the complement: RIT1 is on the minus strand). VCF-style: chr1-155910671-C-A. GRCh37 (hg19) VCF-style: chr1-155880462-C-A.
Other names: c.91G>T (NM_006912.4); c.142G>T, p.Gly48Cys (NM_001256821.2); c.-2-165G>T (NM_001256820.2); short protein forms G31C, G48C.
Identifiers: ClinVar variation 4071767 (VCV004071767.3).